The following is an entry in ClinVar:

NM_004525.3(LRP2):c.12125G>T (p.Arg4042Leu)

Gene: LRP2 (LDL receptor related protein 2; minus strand). Cytogenetic location: 2q31.1.
Variant type: single nucleotide variant.
Coding change: c.12125G>T on transcript NM_004525.3 (MANE Select); coding-DNA position 12125, G replaced by T.
Protein change: p.Arg4042Leu; replaces arginine 4042 with leucine.
Molecular consequence: missense variant.
Genome position (GRCh38, 1-based): chr2:169,156,300, C>A on the plus strand (G>T on the coding strand, the complement: LRP2 is on the minus strand). VCF-style: chr2-169156300-C-A. GRCh37 (hg19) VCF-style: chr2-170012810-C-A.
Other names: c.12125G>T (NM_004525.2); short protein forms R4042L.
Identifiers: ClinVar variation 1469399 (VCV001469399.9), dbSNP rs199874294, ClinGen allele CA59899455.

ClinVar aggregate classification (germline): Uncertain significance. Review status: criteria provided, multiple submitters, no conflicts (2 of 4 stars). 4 submissions from 4 submitters: Uncertain significance (4). Last evaluated 2026-05-29.

Conditions:
LRP2-related disorder. Also called: LRP2-related condition.
Inborn genetic diseases. Identifiers: MedGen C0950123, MeSH D030342.
Donnai-Barrow syndrome. Also called: DBS/FOAR SYNDROME; FACIOOCULOACOUSTICORENAL SYNDROME. Identifiers: Orphanet 2143, MedGen C1857277, MONDO:0009104, OMIM 222448.

gnomAD v4.1: 5 of 1,613,600 alleles (0.00031%); highest among the groups gnomAD compares: Admixed American, 0.005%; no homozygotes.

Submissions (4):

PreventionGenetics, part of Exact Sciences
Classification: Uncertain significance for LRP2-related condition. Last evaluated: 2026-05-29. Review status: criteria provided, single submitter. Criteria: ACMG Guidelines, 2015. Collection method: clinical testing. Allele origin: germline.
Comment: The LRP2 c.12125G>T variant is predicted to result in the amino acid substitution p.Arg4042Leu. To our knowledge, this variant has not been reported in the literature. This variant is reported in 0.0040% of alleles in individuals of African descent in gnomAD. At this time, the clinical significance of this variant is uncertain due to the absence of conclusive functional and genetic evidence.

Ambry Genetics
Classification: Uncertain significance for Inborn genetic diseases. Last evaluated: 2025-11-03. Review status: criteria provided, single submitter. Criteria: Ambry Variant Classification Scheme 2023. Collection method: clinical testing. Allele origin: germline.

Fulgent Genetics
Classification: Uncertain significance for Donnai-Barrow syndrome. Last evaluated: 2024-02-13. Review status: criteria provided, single submitter. Criteria: ACMG Guidelines, 2015. Collection method: clinical testing. Allele origin: germline.

Labcorp Genetics (formerly Invitae), Labcorp
Classification: Uncertain significance. Last evaluated: 2021-08-27. Review status: criteria provided, single submitter. Criteria: Invitae Variant Classification Sherloc (09022015). Collection method: clinical testing. Allele origin: germline.
Comment: This sequence change replaces arginine with leucine at codon 4042 of the LRP2 protein (p.Arg4042Leu). The arginine residue is weakly conserved and there is a moderate physicochemical difference between arginine and leucine. This variant is not present in population databases (ExAC no frequency). This variant has not been reported in the literature in individuals affected with LRP2-related conditions. Advanced modeling of protein sequence and biophysical properties (such as structural, functional, and spatial information, amino acid conservation, physicochemical variation, residue mobility, and thermodynamic stability) performed at Invitae indicates that this missense variant is not expected to disrupt LRP2 protein function. In summary, the available evidence is currently insufficient to determine the role of this variant in disease. Therefore, it has been classified as a Variant of Uncertain Significance.